The following is an entry in ClinVar:

ClinVar aggregate classification (germline): Pathogenic. Review status: criteria provided, multiple submitters, no conflicts (2 of 4 stars). 2 submissions from 2 submitters: Pathogenic (2). Last evaluated 2021-06-11.

Conditions:
Intellectual disability-facial dysmorphism syndrome due to SETD5 haploinsufficiency (MRD23). Also called: Intellectual developmental disorder, autosomal dominant 23. Identifiers: Orphanet 404440, MedGen C3810406, MONDO:0014336, OMIM 615761.

Submissions (2):

Institute of Human Genetics, Clinical Exome/Genome Diagnostics Group, University Hospital Bonn
Classification: Pathogenic for Intellectual disability-facial dysmorphism syndrome due to SETD5 haploinsufficiency. Last evaluated: 2021-06-11. Review status: criteria provided, single submitter. Criteria: ACMG Guidelines, 2015. Collection method: clinical testing. Allele origin: de novo. Affected: yes.
Comment: PVS1, PM2, PM6

CeGaT Center for Human Genetics Tuebingen
Classification: Pathogenic. Last evaluated: 2020-01-01. Review status: criteria provided, single submitter. Criteria: CeGaT Center For Human Genetics Tuebingen Variant Classification Criteria Version 2. Collection method: clinical testing. Allele origin: germline. Affected: yes. Observed: 3 variant alleles.

NM_001080517.3(SETD5):c.3858_3859del (p.His1287fs)

Gene: SETD5 (SET domain containing 5; plus strand). Cytogenetic location: 3p25.3.
Variant type: Microsatellite.
Coding change: c.3858_3859del on transcript NM_001080517.3 (MANE Select); coding-DNA positions 3858 to 3859, 2 bases deleted (TC; older notation c.3858_3859delTC).
Protein change: p.His1287fs; shifts the reading frame from histidine 1287.
Molecular consequence: frameshift variant.
Genome position (GRCh38, 1-based): chr3:9,475,620-9,475,621, TC deleted; deleting any 2 consecutive bases within chr3:9,475,617-9,475,621 gives the same sequence; the c. name uses the placement nearest the transcript's 3' end. VCF-style (leftmost placement, unchanged base first): chr3-9475616-CCT-C. GRCh37 (hg19) VCF-style: chr3-9517300-CCT-C.
Other names: c.3564_3565del, p.His1189fs (NM_001292043.2, NM_001349451.2); short protein forms H1189fs, H1287fs.
Identifiers: ClinVar variation 872478 (VCV000872478.41), dbSNP rs2045779618, ClinGen allele CA1139657878.